The following is an entry in ClinVar:

NM_002437.5(MPV17):c.451C>T (p.Leu151Phe)

Gene: MPV17 (mitochondrial inner membrane protein MPV17; minus strand). Cytogenetic location: 2p23.3.
Variant type: single nucleotide variant.
Coding change: c.451C>T on transcript NM_002437.5 (MANE Select); coding-DNA position 451, C replaced by T.
Protein change: p.Leu151Phe; replaces leucine 151 with phenylalanine.
Molecular consequence: missense variant.
Genome position (GRCh38, 1-based): chr2:27,311,909, G>A on the plus strand (C>T on the coding strand, the complement: MPV17 is on the minus strand). VCF-style: chr2-27311909-G-A. GRCh37 (hg19) VCF-style: chr2-27534777-G-A.
Other names: short protein forms L151F.
Identifiers: ClinVar variation 594010 (VCV000594010.13), dbSNP rs745609578, ClinGen allele CA1575508.

ClinVar aggregate classification (germline): Uncertain significance. Review status: criteria provided, multiple submitters, no conflicts (2 of 4 stars). 4 submissions from 4 submitters: Uncertain significance (4). Last evaluated 2025-02-05.

Conditions:
Mitochondrial DNA depletion syndrome 6 (hepatocerebral type). Also called: Mitochondrial DNA depletion syndrome type 6; NAVAJO NEUROPATHY; Navajo neurohepatopathy. Identifiers: Orphanet 255229, MedGen C1850406, MONDO:0009747, OMIM 256810.
Inborn genetic diseases. Identifiers: MedGen C0950123, MeSH D030342.

Allele frequency attached by ClinVar (database versions not stated): ExAC 0.00001; gnomAD exomes 0.00001 and 0.00002; gnomAD 0.00002.

Submissions (4):

Ambry Genetics
Classification: Uncertain significance for Inborn genetic diseases. Last evaluated: 2025-02-05. Review status: criteria provided, single submitter. Criteria: Ambry Variant Classification Scheme 2023. Collection method: clinical testing. Allele origin: germline.

Labcorp Genetics (formerly Invitae), Labcorp
Classification: Uncertain significance. Last evaluated: 2024-10-18. Review status: criteria provided, single submitter. Criteria: Invitae Variant Classification Sherloc (09022015). Collection method: clinical testing. Allele origin: germline.
Comment: This sequence change replaces leucine, which is neutral and non-polar, with phenylalanine, which is neutral and non-polar, at codon 151 of the MPV17 protein (p.Leu151Phe). This variant is present in population databases (rs745609578, gnomAD 0.003%). This variant has not been reported in the literature in individuals affected with MPV17-related conditions. ClinVar contains an entry for this variant (Variation ID: 594010). Invitae Evidence Modeling of protein sequence and biophysical properties (such as structural, functional, and spatial information, amino acid conservation, physicochemical variation, residue mobility, and thermodynamic stability) indicates that this missense variant is not expected to disrupt MPV17 protein function with a negative predictive value of 95%. In summary, the available evidence is currently insufficient to determine the role of this variant in disease. Therefore, it has been classified as a Variant of Uncertain Significance.

Illumina Laboratory Services, Illumina
Classification: Uncertain significance for Mitochondrial DNA depletion syndrome 6 (hepatocerebral type). Last evaluated: 2018-01-13. Review status: criteria provided, single submitter. Criteria: ICSL Variant Classification Criteria 13 December 2019. Collection method: clinical testing. Allele origin: germline.

Eurofins Ntd Llc (ga)
Classification: Uncertain significance. Last evaluated: 2017-09-08. Review status: criteria provided, single submitter. Criteria: EGL Classification Definitions 2015. Collection method: clinical testing. Allele origin: germline. Observed: 1 variant allele, 1 heterozygote.